The following is an entry in ClinVar:

NM_024589.3(ROGDI):c.599G>T (p.Cys200Phe)

Gene: ROGDI (rogdi atypical leucine zipper; minus strand). Cytogenetic location: 16p13.3.
Variant type: single nucleotide variant.
Coding change: c.599G>T on transcript NM_024589.3 (MANE Select); coding-DNA position 599, G replaced by T.
Protein change: p.Cys200Phe; replaces cysteine 200 with phenylalanine.
Molecular consequence: missense variant. On other transcripts: non-coding transcript variant (1).
Genome position (GRCh38, 1-based): chr16:4,798,117, C>A on the plus strand (G>T on the coding strand, the complement: ROGDI is on the minus strand). VCF-style: chr16-4798117-C-A. GRCh37 (hg19) VCF-style: chr16-4848118-C-A.
Other names: short protein forms C200F.
Identifiers: ClinVar variation 1024009 (VCV001024009.7), dbSNP rs2082676635, ClinGen allele CA394650224.
Genomic context (GRCh38, chr16:4,798,117, plus strand): 5'-GGGTCCCTCCTCACCTTGGTGGAGTTGGGCTGCAGGGCATGCAGCTGGTACACCGTGAGG[C>A]AGAGCTTGTTGAGGTTGATGTAGACGTTGACCAGCAGGTCGGACGGCAGGGCAGGGGCGA-3'
Protein context (NP_078865.1, residues 190-210): VNVYINLNKL[Cys200Phe]LTVYQLHALQ

ClinVar aggregate classification (germline): Uncertain significance (1 of 4 stars; one submission).

Conditions:
Amelocerebrohypohidrotic syndrome (KTZS). Also called: EPILEPSY AND YELLOW TEETH; EPILEPSY, DEMENTIA, AND AMELOGENESIS IMPERFECTA; Kohlschutter's syndrome; KOHLSCHUTTER SYNDROME. Identifiers: Orphanet 1946, MedGen C0406740, MONDO:0009185, OMIM 226750.

Submission:

Labcorp Genetics (formerly Invitae), Labcorp
Classification: Uncertain significance for Amelocerebrohypohidrotic syndrome. Last evaluated: 2020-01-16. Review status: criteria provided, single submitter. Criteria: Invitae Variant Classification Sherloc (09022015). Collection method: clinical testing. Allele origin: germline.
Comment: In summary, the available evidence is currently insufficient to determine the role of this variant in disease. Therefore, it has been classified as a Variant of Uncertain Significance. Algorithms developed to predict the effect of missense changes on protein structure and function are either unavailable or do not agree on the potential impact of this missense change (SIFT: "Deleterious"; PolyPhen-2: "Probably Damaging"; Align-GVGD: "Class C0"). This variant has not been reported in the literature in individuals with ROGDI-related conditions. This variant is not present in population databases (ExAC no frequency). This sequence change replaces cysteine with phenylalanine at codon 200 of the ROGDI protein (p.Cys200Phe). The cysteine residue is highly conserved and there is a large physicochemical difference between cysteine and phenylalanine.